The following is an entry in ClinVar:

ClinVar aggregate classification (germline): Pathogenic. Review status: criteria provided, multiple submitters, no conflicts (2 of 4 stars). 3 submissions from 3 submitters: Pathogenic (2). 1 of the submissions does not count toward it. Last evaluated 2025-11-25.

Conditions:
Inborn genetic diseases. Identifiers: MedGen C0950123, MeSH D030342.
Melorheostosis with osteopoikilosis. Identifiers: Orphanet 1879, MedGen C3149695, MONDO:0015995.

Allele frequency attached by ClinVar (database versions not stated): gnomAD exomes below 0.00001.
gnomAD v4.1: 2 of 1,588,972 alleles (0.00013%); highest among the groups gnomAD compares: Non-Finnish European, 0.00017%; no homozygotes.

Submissions (3):

Ambry Genetics
Classification: Pathogenic for Inborn genetic diseases. Last evaluated: 2025-11-25. Review status: criteria provided, single submitter. Criteria: Ambry Variant Classification Scheme 2023. Collection method: clinical testing. Allele origin: germline.
Comment: The c.1609C>T (p.R537*) alteration, located in exon 3 (coding exon 3) of the LEMD3 gene, consists of a C to T substitution at nucleotide position 1609. This changes the amino acid from a arginine (R) to a stop codon at amino acid position 537. This alteration is expected to result in loss of function by premature protein truncation or nonsense-mediated mRNA decay. This variant was not reported in population-based cohorts in the Genome Aggregation Database (gnomAD). This variant was reported in individual(s) with features consistent with Buschke-Ollendorff syndrome (Debeer, 2003; Hellemans, 2004). Based on the available evidence, this alteration is classified as pathogenic.

Labcorp Genetics (formerly Invitae), Labcorp
Classification: Pathogenic. Last evaluated: 2025-08-26. Review status: criteria provided, single submitter. Criteria: Invitae Variant Classification Sherloc (09022015). Collection method: clinical testing. Allele origin: germline.
Comment: This sequence change creates a premature translational stop signal (p.Arg537*) in the LEMD3 gene. It is expected to result in an absent or disrupted protein product. Loss-of-function variants in LEMD3 are known to be pathogenic (PMID: 15489854, 19438932). This variant is not present in population databases (gnomAD no frequency). This premature translational stop signal has been observed in individual(s) with osteopoikilosis (PMID: 15489854). ClinVar contains an entry for this variant (Variation ID: 2755). For these reasons, this variant has been classified as Pathogenic.

OMIM
Classification: Pathogenic for OSTEOPOIKILOSIS WITH MELORHEOSTOSIS. Last evaluated: 2004-11-01. Review status: no assertion criteria provided. Collection method: literature only. Allele origin: germline. Not counted in ClinVar's aggregate classification.

Literature cited by the submitters: PubMed 12749062 (cited by Ambry Genetics and OMIM); PubMed 15489854 (cited by 3 submitters); PubMed 19438932 (cited by Labcorp Genetics (formerly Invitae), Labcorp).

NM_014319.5(LEMD3):c.1609C>T (p.Arg537Ter)

Gene: LEMD3 (LEM domain containing 3; plus strand). Cytogenetic location: 12q14.3.
Variant type: single nucleotide variant.
Coding change: c.1609C>T on transcript NM_014319.5 (MANE Select); coding-DNA position 1609, C replaced by T.
Protein change: p.Arg537Ter; replaces arginine 537 with a stop codon.
Molecular consequence: nonsense.
Genome position (GRCh38, 1-based): chr12:65,216,025, C>T. VCF-style: chr12-65216025-C-T. GRCh37 (hg19) VCF-style: chr12-65609805-C-T.
Other names: 1609C-T; c.1606C>T, p.Arg536Ter (NM_001167614.2); c.1609C>T (NM_014319.4); short protein forms R536*, R537*.
Identifiers: ClinVar variation 2755 (VCV000002755.9), dbSNP rs1870100373, ClinGen allele CA385677351.
Genomic context (GRCh38, chr12:65,216,025, plus strand): 5'-TCTTAATTTTAGGAAAGTGAAAAAACTCTTATGATGAACACATTATATAAGCTTCATGAT[C>T]GATTGGCACAGCTTGCAGGTAATTGTTTTAACTTTTATAGTTGCTAAAAATGTTTTGAAA-3'